The following is an entry in ClinVar:

ClinVar aggregate classification (germline): Uncertain significance (1 of 4 stars; one submission).

Conditions:
Mucopolysaccharidosis, MPS-IV-B (MPS4B). Also called: Mucopolysaccharidosis Type IVB (Morquio B Disease); Mucopolysaccharidosis type 4B; MORQUIO SYNDROME B; Mucopolysaccharidosis type IVB (Morquio); MPS IVB; Mucopolysaccharidosis type IV B. Identifiers: Orphanet 309310, Orphanet 582, MedGen C0086652, MONDO:0009660, OMIM 253010.
GM1 gangliosidosis. Identifiers: Orphanet 354, MedGen C0085131, MONDO:0018149.

Submission:

Labcorp Genetics (formerly Invitae), Labcorp
Classification: Uncertain significance for Mucopolysaccharidosis, MPS-IV-B; GM1 gangliosidosis. Last evaluated: 2022-09-26. Review status: criteria provided, single submitter. Criteria: Invitae Variant Classification Sherloc (09022015). Collection method: clinical testing. Allele origin: germline.
Comment: This sequence change replaces phenylalanine, which is neutral and non-polar, with leucine, which is neutral and non-polar, at codon 88 of the GLB1 protein (p.Phe88Leu). This variant is not present in population databases (gnomAD no frequency). This variant has not been reported in the literature in individuals affected with GLB1-related conditions. Advanced modeling of protein sequence and biophysical properties (such as structural, functional, and spatial information, amino acid conservation, physicochemical variation, residue mobility, and thermodynamic stability) performed at Invitae indicates that this missense variant is not expected to disrupt GLB1 protein function. In summary, the available evidence is currently insufficient to determine the role of this variant in disease. Therefore, it has been classified as a Variant of Uncertain Significance.

NM_000404.4(GLB1):c.262T>C (p.Phe88Leu)

Gene: GLB1 (galactosidase beta 1; minus strand). Cytogenetic location: 3p22.3.
Variant type: single nucleotide variant.
Coding change: c.262T>C on transcript NM_000404.4 (MANE Select); coding-DNA position 262, T replaced by C.
Protein change: p.Phe88Leu; replaces phenylalanine 88 with leucine.
Molecular consequence: missense variant. On other transcripts: intron variant (1).
Genome position (GRCh38, 1-based): chr3:33,068,954, A>G on the plus strand (T>C on the coding strand, the complement: GLB1 is on the minus strand). VCF-style: chr3-33068954-A-G. GRCh37 (hg19) VCF-style: chr3-33110446-A-G.
Other names: c.172T>C, p.Phe58Leu (NM_001079811.3); c.406T>C, p.Phe136Leu (NM_001317040.2); c.262T>C, p.Phe88Leu (NM_001393580.1); c.246-3397T>C (NM_001135602.3); short protein forms F136L, F58L, F88L.
Identifiers: ClinVar variation 1716905 (VCV001716905.5), dbSNP rs1699795068, ClinGen allele CA351995443.